The following is an entry in ClinVar:

ClinVar aggregate classification (germline): Uncertain significance (1 of 4 stars; one submission).

Conditions:
Catecholaminergic polymorphic ventricular tachycardia (CVPT). Also called: Catecholamine-induced polymorphic ventricular tachycardia. Identifiers: Orphanet 3286, MedGen C5574922, MONDO:0017990.

Submission:

All of Us Research Program, National Institutes of Health
Classification: Uncertain significance for Catecholaminergic polymorphic ventricular tachycardia. Last evaluated: 2023-08-23. Review status: criteria provided, single submitter. Criteria: ACMG Guidelines, 2015. Collection method: clinical testing. Allele origin: germline. Inheritance: Autosomal dominant inheritance. Observed: 1 variant allele, 1 heterozygote.
Comment: This missense variant replaces cysteine with phenylalanine at codon 4310 of the RYR2 protein. Computational prediction suggests that this variant may not impact protein structure and function (internally defined REVEL score threshold <= 0.5, PMID: 27666373). To our knowledge, functional studies have not been reported for this variant. This variant has not been reported in individuals affected with RYR2-related disorders in the literature. This variant has not been identified in the general population by the Genome Aggregation Database (gnomAD). The available evidence is insufficient to determine the role of this variant in disease conclusively. Therefore, this variant is classified as a Variant of Uncertain Significance.

This study involves interpretation of variants in research participants for the purpose of population health screening. Participant phenotype was not available at the time of variant classification. Additional details can be found in publication PMID: 35346344, PMCID: PMC8962531

NM_001035.3(RYR2):c.12929G>T (p.Cys4310Phe)

Genes: RYR2 (ryanodine receptor 2; plus strand), LOC126806068 (BRD4-independent group 4 enhancer GRCh37_chr1:237947411-237948610; plus strand). Cytogenetic location: 1q43.
Variant type: single nucleotide variant.
Coding change: c.12929G>T on transcript NM_001035.3 (MANE Select); coding-DNA position 12929, G replaced by T.
Protein change: p.Cys4310Phe; replaces cysteine 4310 with phenylalanine.
Molecular consequence: missense variant.
Genome position (GRCh38, 1-based): chr1:237,784,641, G>T. VCF-style: chr1-237784641-G-T. GRCh37 (hg19) VCF-style: chr1-237947941-G-T.
Other names: short protein forms C4310F.
Identifiers: ClinVar variation 3073088 (VCV003073088.1), dbSNP rs1695402383, ClinGen allele CA345414737.
Genomic context (GRCh38, chr1:237,784,641, plus strand): 5'-TTTTCATGACCCTCTTGCACTTCGTGGCCAGCGTTTTCAGAGGCTTTTTCCGCATCATTT[G>T]CAGCCTGCTGCTTGGGGGAAGCCTCGTCGAAGGTGCTAAAAAGATCAAAGTTGCAGAACT-3'
Protein context (NP_001026.2, residues 4300-4320): SVFRGFFRII[Cys4310Phe]SLLLGGSLVE